The following is an entry in ClinVar:

ClinVar aggregate classification (germline): Uncertain significance (1 of 4 stars; one submission).

Submission:

Ambry Genetics
Classification: Uncertain significance. Last evaluated: 2024-08-23. Review status: criteria provided, single submitter. Criteria: Ambry Variant Classification Scheme 2023. Collection method: clinical testing. Allele origin: germline.
Comment: The p.M120T variant (also known as c.359T>C), located in coding exon 4 of the RAD51B gene, results from a T to C substitution at nucleotide position 359. The methionine at codon 120 is replaced by threonine, an amino acid with similar properties. This amino acid position is highly conserved in available vertebrate species. In addition, this alteration is predicted to be tolerated by in silico analysis. Based on the available evidence, the clinical significance of this variant remains unclear.

NM_133510.4(RAD51B):c.359T>C (p.Met120Thr)

Gene: RAD51B (RAD51 paralog B; plus strand). Cytogenetic location: 14q24.1.
Variant type: single nucleotide variant.
Coding change: c.359T>C on transcript NM_133510.4 (MANE Select); coding-DNA position 359, T replaced by C.
Protein change: p.Met120Thr; replaces methionine 120 with threonine.
Molecular consequence: missense variant. On other transcripts: initiator codon variant (1).
Genome position (GRCh38, 1-based): chr14:67,865,046, T>C. VCF-style: chr14-67865046-T-C. GRCh37 (hg19) VCF-style: chr14-68331763-T-C.
Other names: c.359T>C, p.Met120Thr (NM_001321809.2, NM_001321810.2, NM_001321812.1 and 6 more transcripts); c.245T>C, p.Met82Thr (NM_001321815.1); c.2T>C, p.Met1Thr (NM_001321817.2); short protein forms M1T, M82T, M120T.
Identifiers: ClinVar variation 3429604 (VCV003429604.1).